The following is an entry in ClinVar:

ClinVar aggregate classification (germline): Uncertain significance (1 of 4 stars; one submission).

gnomAD v4.1: 3 of 1,604,954 alleles (0.00019%); highest among the groups gnomAD compares: Non-Finnish European, 0.00026%; no homozygotes.

Submission:

Ambry Genetics
Classification: Uncertain significance. Last evaluated: 2025-05-19. Review status: criteria provided, single submitter. Criteria: Ambry Variant Classification Scheme 2023. Collection method: clinical testing. Allele origin: germline.
Comment: The p.H260R variant (also known as c.779A>G), located in coding exon 6 of the GEN1 gene, results from an A to G substitution at nucleotide position 779. The histidine at codon 260 is replaced by arginine, an amino acid with highly similar properties. This amino acid position is conserved. In addition, this alteration is predicted to be tolerated by in silico analysis. Based on the available evidence, the clinical significance of this variant remains unclear.

NM_001130009.3(GEN1):c.779A>G (p.His260Arg)

Gene: GEN1 (GEN1 Holliday junction 5' flap endonuclease; plus strand). Cytogenetic location: 2p24.2.
Variant type: single nucleotide variant.
Coding change: c.779A>G on transcript NM_001130009.3 (MANE Select); coding-DNA position 779, A replaced by G.
Protein change: p.His260Arg; replaces histidine 260 with arginine.
Molecular consequence: missense variant.
Genome position (GRCh38, 1-based): chr2:17,771,264, A>G. VCF-style: chr2-17771264-A-G. GRCh37 (hg19) VCF-style: chr2-17952531-A-G.
Other names: c.779A>G, p.His260Arg (NM_182625.5); short protein forms H260R.
Identifiers: ClinVar variation 4029309 (VCV004029309.1).